The following is an entry in ClinVar:

ClinVar aggregate classification (germline): Uncertain significance (1 of 4 stars; one submission).

Conditions:
Hereditary cancer-predisposing syndrome. Also called: Neoplastic Syndromes, Hereditary; Tumor predisposition; Hereditary neoplastic syndrome; Hereditary Cancer Syndrome. Identifiers: Orphanet 140162, MedGen C0027672, MeSH D009386, MONDO:0015356.

Submission:

Ambry Genetics
Classification: Uncertain significance for Hereditary cancer-predisposing syndrome. Last evaluated: 2024-01-13. Review status: criteria provided, single submitter. Criteria: Ambry Variant Classification Scheme 2023. Collection method: clinical testing. Allele origin: germline.
Comment: The p.N312D variant (also known as c.934A>G), located in coding exon 6 of the PTCH1 gene, results from an A to G substitution at nucleotide position 934. The asparagine at codon 312 is replaced by aspartic acid, an amino acid with highly similar properties. This amino acid position is conserved. In addition, the in silico prediction for this alteration is inconclusive. Since supporting evidence is limited at this time, the clinical significance of this alteration remains unclear.

NM_000264.5(PTCH1):c.934A>G (p.Asn312Asp)

Gene: PTCH1 (patched 1; minus strand). Cytogenetic location: 9q22.32.
Variant type: single nucleotide variant.
Coding change: c.934A>G on transcript NM_000264.5 (MANE Select); coding-DNA position 934, A replaced by G.
Protein change: p.Asn312Asp; replaces asparagine 312 with aspartic acid.
Molecular consequence: missense variant. On other transcripts: non-coding transcript variant (1).
Genome position (GRCh38, 1-based): chr9:95,480,401, T>C on the plus strand (A>G on the coding strand, the complement: PTCH1 is on the minus strand). VCF-style: chr9-95480401-T-C. GRCh37 (hg19) VCF-style: chr9-98242683-T-C.
Other names: c.736A>G, p.Asn246Asp (NM_001083602.3); c.931A>G, p.Asn311Asp (NM_001083603.3); c.481A>G, p.Asn161Asp (NM_001083604.3, NM_001083605.3, NM_001083606.3 and 1 more transcripts); c.934A>G, p.Asn312Asp (NM_001354918.2); short protein forms N161D, N246D, N311D, N312D.
Identifiers: ClinVar variation 3231064 (VCV003231064.1), dbSNP rs2538230454, ClinGen allele CA374113641.
Genomic context (GRCh38, chr9:95,480,401, plus strand): 5'-AAGTGTTTTGCTCTCCACCCTTCTGAGAGCGCTCACTGCTGGTACTCACTTTGGTTGAAT[T>C]TTTGTTGGGGGCTGTGGCGGGGCAGTCTGGATCGGCCGGATTGAGGCAGGGGCGGTCCAT-3'
Protein context (NP_000255.2, residues 302-322): PDCPATAPNK[Asn312Asp]STKPLDMALV